The following is an entry in ClinVar:

NM_001035.3(RYR2):c.8453C>T (p.Ala2818Val)

Gene: RYR2 (ryanodine receptor 2; plus strand). Cytogenetic location: 1q43.
Variant type: single nucleotide variant.
Coding change: c.8453C>T on transcript NM_001035.3 (MANE Select); coding-DNA position 8453, C replaced by T.
Protein change: p.Ala2818Val; replaces alanine 2818 with valine.
Molecular consequence: missense variant.
Genome position (GRCh38, 1-based): chr1:237,666,528, C>T. VCF-style: chr1-237666528-C-T. GRCh37 (hg19) VCF-style: chr1-237829828-C-T.
Other names: p.A2818V:GCC>GTC; c.8453C>T, p.Ala2818Val (LRG_402t1); short protein forms A2818V.
Identifiers: ClinVar variation 201286 (VCV000201286.5), dbSNP rs794728759, ClinGen allele CA011037.

ClinVar aggregate classification (germline): Uncertain significance. Review status: criteria provided, multiple submitters, no conflicts (2 of 4 stars). 2 submissions from 2 submitters: Uncertain significance (2). Last evaluated 2022-12-21.

Conditions:
Catecholaminergic polymorphic ventricular tachycardia 1. Also called: RYR2-Related Catecholaminergic Polymorphic Ventricular Tachycardia; VENTRICULAR TACHYCARDIA, CATECHOLAMINERGIC POLYMORPHIC, 1, WITH OR WITHOUT ATRIAL DYSFUNCTION AND/OR DILATED CARDIOMYOPATHY; VENTRICULAR TACHYCARDIA, STRESS-INDUCED POLYMORPHIC 1. Identifiers: Orphanet 3286, MedGen C1631597, MONDO:0011484, OMIM 604772.

gnomAD v4.1: 1 of 1,612,070 alleles (0.000062%); highest among the groups gnomAD compares: Non-Finnish European, 0.000085%; no homozygotes.

Submissions (2):

Labcorp Genetics (formerly Invitae), Labcorp
Classification: Uncertain significance for Catecholaminergic polymorphic ventricular tachycardia 1. Last evaluated: 2022-12-21. Review status: criteria provided, single submitter. Criteria: Invitae Variant Classification Sherloc (09022015). Collection method: clinical testing. Allele origin: germline.
Comment: This variant is not present in population databases (gnomAD no frequency). This variant has not been reported in the literature in individuals affected with RYR2-related conditions. ClinVar contains an entry for this variant (Variation ID: 201286). Advanced modeling of protein sequence and biophysical properties (such as structural, functional, and spatial information, amino acid conservation, physicochemical variation, residue mobility, and thermodynamic stability) performed at Invitae indicates that this missense variant is not expected to disrupt RYR2 protein function. In summary, the available evidence is currently insufficient to determine the role of this variant in disease. Therefore, it has been classified as a Variant of Uncertain Significance. This sequence change replaces alanine, which is neutral and non-polar, with valine, which is neutral and non-polar, at codon 2818 of the RYR2 protein (p.Ala2818Val).

GeneDx
Classification: Uncertain significance. Last evaluated: 2014-04-15. Review status: criteria provided, single submitter. Criteria: GeneDx Variant Classification (06012015). Collection method: clinical testing. Allele origin: germline. Affected: yes.
Comment: p.Ala2818Val (GCC>GTC): c.8453 C>T in exon 57 of the RYR2 gene (NM_001035.2). The A2818V variant has not been published as a mutation or as a benign polymorphism to our knowledge. The A2818V variant was not observed in approximately 6,000 individuals of European and African American ancestry in the NHLBI Exome Sequencing Project, indicating it is not a common benign variant in these populations. However, the A2818V variant is a conservative amino acid substitution, which is not likely to impact secondary protein structure as these residues share similar properties. This substitution occurs at a position that is not conserved across species. In silico analysis is inconsistent in its predictions as to whether or not the variant is damaging to the protein structure/function. No missense mutations in nearby residues have been reported in association with arrhythmia and the variant is not located in any of the RYR2 mutation hot spots (Medeiros-Domingo A et al., 2009). Therefore, based on the currently available information, it is unclear whether this variant is a pathogenic mutation or a rare benign variant. The variant is found in ARRHYTHMIA panel(s).